The following is an entry in ClinVar:

ClinVar aggregate classification (germline): Conflicting classifications of pathogenicity. Review status: criteria provided, conflicting classifications (1 of 4 stars). 2 submissions from 2 submitters: Likely pathogenic (1); Uncertain significance (1). Last evaluated 2025-07-21.

Conditions:
Deficiency of iodide peroxidase (TDH2A). Also called: HYPOTHYROIDISM, CONGENITAL, DUE TO DYSHORMONOGENESIS, 2A; IODIDE PEROXIDASE DEFICIENCY; THYROID HORMONOGENESIS, GENETIC DEFECT IN, 2A; THYROID PEROXIDASE DEFICIENCY; Thyroid dyshormonogenesis 2A. Identifiers: Orphanet 95716, MedGen C1291299, MONDO:0010133, OMIM 274500.

Submissions (2):

3billion
Classification: Likely pathogenic for Deficiency of iodide peroxidase. Last evaluated: 2025-07-21. Review status: criteria provided, single submitter. Criteria: ACMG Guidelines, 2015. Collection method: clinical testing. Allele origin: germline. Affected: yes.
Comment: The variant is observed at an extremely low frequency in the gnomAD v4.1.0 dataset (total allele frequency: 0.008%). Predicted Consequence/Location: 3' UTR variant Functional studies provide moderate evidence of the variant having a damaging effect on the gene or gene product (PMID: 32088313). The variant has been reported to be in trans with a pathogenic variant as either compound heterozygous or homozygous in at least one similarly affected unrelated individual (PMID: 32088313). The variant has been reported to be associated with TPO-related disorder (PMID: 32088313 /3billion dataset). Therefore, this variant is classified as Likely pathogenic according to the recommendation of ACMG/AMP guideline.

Fulgent Genetics
Classification: Uncertain significance for Deficiency of iodide peroxidase. Last evaluated: 2021-07-12. Review status: criteria provided, single submitter. Criteria: ACMG Guidelines, 2015. Collection method: clinical testing. Allele origin: unknown.

Literature cited by the submitters: PubMed 32088313 (cited by 3billion).

NM_001206744.2(TPO):c.*63dup

Genes: LALTOP (lung cancer associated lncRNA targeting TOP2A; minus strand), TPO (thyroid peroxidase; plus strand). Cytogenetic location: 2p25.3.
Variant type: Duplication.
Coding change: c.*63dup on transcript NM_001206744.2 (MANE Select); 63 bases downstream of the stop codon, one base duplicated (T; older notation c.*63dupT).
Molecular consequence: 3 prime UTR variant.
Genome position (GRCh38, 1-based): chr2:1,542,537, T duplicated; the last of 4 consecutive T bases (chr2:1,542,534-1,542,537); duplicating any one gives the same sequence. VCF-style (leftmost placement, unchanged base first): chr2-1542533-C-CT. GRCh37 (hg19) VCF-style: chr2-1546305-C-CT.
Other names: c.*63dup (NM_000547.6, NM_001206745.2, NM_175719.4 and 2 more transcripts).
Identifiers: ClinVar variation 331643 (VCV000331643.8), dbSNP rs749486726, ClinGen allele CA1512375.